The following is an entry in ClinVar:

NM_025136.4(OPA3):c.115A>G (p.Thr39Ala)

Genes: OPA3 (outer mitochondrial membrane lipid metabolism regulator OPA3; minus strand), OPA3-RTN2 (OPA3-RTN2 readthrough; minus strand). Cytogenetic location: 19q13.32.
Variant type: single nucleotide variant.
Coding change: c.115A>G on transcript NM_025136.4 (MANE Select); coding-DNA position 115, A replaced by G.
Protein change: p.Thr39Ala; replaces threonine 39 with alanine.
Molecular consequence: missense variant.
Genome position (GRCh38, 1-based): chr19:45,584,650, T>C on the plus strand (A>G on the coding strand, the complement: OPA3 is on the minus strand). VCF-style: chr19-45584650-T-C. GRCh37 (hg19) VCF-style: chr19-46087908-T-C.
Other names: c.115A>G, p.Thr39Ala (NM_001017989.3); short protein forms T39A.
Identifiers: ClinVar variation 2191393 (VCV002191393.3), dbSNP rs942993720, ClinGen allele CA308979241.

ClinVar aggregate classification (germline): Uncertain significance. Review status: criteria provided, multiple submitters, no conflicts (2 of 4 stars). 2 submissions from 2 submitters: Uncertain significance (2). Last evaluated 2024-01-29.

Conditions:
Optic atrophy 3 (OPA3). Also called: OPTIC ATROPHY 3, AUTOSOMAL DOMINANT; Optic atrophy, cataract, and neurologic disorder; Optic atrophy 3 with cataract. Identifiers: Orphanet 67036, MedGen C1833809, MONDO:0008133, OMIM 165300.
3-Methylglutaconic aciduria type 3 (MGCA3). Also called: OPA3, AUTOSOMAL RECESSIVE; OPTIC ATROPHY 3, AUTOSOMAL RECESSIVE; OPA3-Related 3-Methylglutaconic Aciduria; Costeff Syndrome. Identifiers: Orphanet 67047, MedGen C0574084, MONDO:0009787, OMIM 258501.

Allele frequency attached by ClinVar (database versions not stated): gnomAD exomes below 0.00001; gnomAD 0.00001; TOPMed 0.00002.

Submissions (2):

Labcorp Genetics (formerly Invitae), Labcorp
Classification: Uncertain significance for 3-Methylglutaconic aciduria type 3; Optic atrophy 3. Last evaluated: 2024-01-29. Review status: criteria provided, single submitter. Criteria: Invitae Variant Classification Sherloc (09022015). Collection method: clinical testing. Allele origin: germline.
Comment: This sequence change replaces threonine, which is neutral and polar, with alanine, which is neutral and non-polar, at codon 39 of the OPA3 protein (p.Thr39Ala). This variant is not present in population databases (gnomAD no frequency). This variant has not been reported in the literature in individuals affected with OPA3-related conditions. ClinVar contains an entry for this variant (Variation ID: 2191393). An algorithm developed to predict the effect of missense changes on protein structure and function (PolyPhen-2) suggests that this variant¬†is likely to be tolerated. In summary, the available evidence is currently insufficient to determine the role of this variant in disease. Therefore, it has been classified as a Variant of Uncertain Significance.

Blueprint Genetics
Classification: Uncertain significance. Last evaluated: 2023-12-29. Review status: criteria provided, single submitter. Criteria: ACMG Guidelines, 2015. Collection method: clinical testing. Allele origin: germline.